The following is an entry in ClinVar:

ClinVar aggregate classification (germline): Conflicting classifications of pathogenicity. Review status: criteria provided, conflicting classifications (1 of 4 stars). 3 submissions from 3 submitters: Uncertain significance (1); Likely benign (1). 1 of the submissions does not count toward it. Last evaluated 2025-11-22.

Conditions:
Malignant hyperthermia, susceptibility to, 1 (MHS1). Also called: Anesthesia related hyperthermia; Malignant hyperpyrexia; Fulminating hyperpyrexia; Pharmacogenic myopathy; Malignant hyperthermia suceptibility 1; RYR1-Related Malignant Hyperthermia Susceptibility. Identifiers: Orphanet 423, MedGen C2930980, MONDO:0007783, OMIM 145600.
RYR1-related disorder. Also called: RYR1-related condition; RYR1-related disorders. Identifiers: MedGen CN239331.

Allele frequency attached by ClinVar (database versions not stated): gnomAD exomes below 0.00001.
gnomAD v4.1: 1 of 1,613,892 alleles (0.000062%); highest among the groups gnomAD compares: Admixed American, 0.0017%; no homozygotes.

Submissions (3):

Labcorp Genetics (formerly Invitae), Labcorp
Classification: Likely benign for RYR1-related disorder. Last evaluated: 2025-11-22. Review status: criteria provided, single submitter. Criteria: Invitae Variant Classification Sherloc (09022015). Collection method: clinical testing. Allele origin: germline.

All of Us Research Program, National Institutes of Health
Classification: Uncertain significance for Malignant hyperthermia, susceptibility to, 1. Last evaluated: 2023-12-18. Review status: criteria provided, single submitter. Criteria: ACMG Guidelines, 2015. Collection method: clinical testing. Allele origin: germline. Inheritance: Autosomal dominant inheritance. Observed: 2 variant alleles, 2 heterozygotes.
Comment: This variant causes a C to G nucleotide substitution at the -10 position of intron 40 of the RYR1 gene. To our knowledge, functional studies have not been reported for this variant. This variant has not been reported in individuals affected with RYR1-related disorders in the literature. This variant has been identified in 1/250914 chromosomes in the general population by the Genome Aggregation Database (gnomAD). The available evidence is insufficient to determine the role of this variant in disease conclusively. Therefore, this variant is classified as a Variant of Uncertain Significance.

This study involves interpretation of variants in research participants for the purpose of population health screening. Participant phenotype was not available at the time of variant classification. Additional details can be found in publication PMID: 35346344, PMCID: PMC8962531

PreventionGenetics, part of Exact Sciences
Classification: Likely benign for RYR1-related condition. Last evaluated: 2023-10-02. Review status: no assertion criteria provided. Collection method: clinical testing. Allele origin: germline. Not counted in ClinVar's aggregate classification.
Comment: This variant is classified as likely benign based on ACMG/AMP sequence variant interpretation guidelines (Richards et al. 2015 PMID: 25741868, with internal and published modifications).

NM_000540.3(RYR1):c.6664-10C>G

Gene: RYR1 (ryanodine receptor 1; plus strand). Cytogenetic location: 19q13.2.
Variant type: single nucleotide variant.
Coding change: c.6664-10C>G on transcript NM_000540.3 (MANE Select); 10 bases into the intron before coding-DNA position 6664, C replaced by G.
Molecular consequence: intron variant.
Genome position (GRCh38, 1-based): chr19:38,496,399, C>G. VCF-style: chr19-38496399-C-G. GRCh37 (hg19) VCF-style: chr19-38987039-C-G.
Other names: c.6664-10C>G (NM_001042723.2, NM_000540.2).
Identifiers: ClinVar variation 2792336 (VCV002792336.6), dbSNP rs1315255373, ClinGen allele CA633066114.